The following is an entry in ClinVar:

ClinVar aggregate classification (germline): Uncertain significance (1 of 4 stars; one submission).

Submission:

Labcorp Genetics (formerly Invitae), Labcorp
Classification: Uncertain significance. Last evaluated: 2024-08-30. Review status: criteria provided, single submitter. Criteria: Invitae Variant Classification Sherloc (09022015). Collection method: clinical testing. Allele origin: germline.
Comment: This sequence change replaces lysine, which is basic and polar, with asparagine, which is neutral and polar, at codon 593 of the IMPG1 protein (p.Lys593Asn). This variant is not present in population databases (gnomAD no frequency). This variant has not been reported in the literature in individuals affected with IMPG1-related conditions. An algorithm developed to predict the effect of missense changes on protein structure and function (PolyPhen-2) suggests that this variant is likely to be disruptive. In summary, the available evidence is currently insufficient to determine the role of this variant in disease. Therefore, it has been classified as a Variant of Uncertain Significance.

NM_001563.4(IMPG1):c.1779G>C (p.Lys593Asn)

Gene: IMPG1 (interphotoreceptor matrix proteoglycan 1; minus strand). Cytogenetic location: 6q14.1.
Variant type: single nucleotide variant.
Coding change: c.1779G>C on transcript NM_001563.4 (MANE Select); coding-DNA position 1779, G replaced by C.
Protein change: p.Lys593Asn; replaces lysine 593 with asparagine.
Molecular consequence: missense variant.
Genome position (GRCh38, 1-based): chr6:75,950,607, C>G on the plus strand (G>C on the coding strand, the complement: IMPG1 is on the minus strand). VCF-style: chr6-75950607-C-G. GRCh37 (hg19) VCF-style: chr6-76660324-C-G.
Other names: c.1545G>C, p.Lys515Asn (NM_001282368.2); short protein forms K593N, K515N.
Identifiers: ClinVar variation 2872014 (VCV002872014.3), dbSNP rs2535897007, ClinGen allele CA364776690.
Genomic context (GRCh38, chr6:75,950,607, plus strand): 5'-GCAGTGCCCACTCACCAGCTGTGTGAATTGTTGCTCCAGAGCTCGGTACTCCAGAGAGCT[C>G]TTGTTGAACAGGTCGTTGGAGAAGGCCATGTTAGCAACACGCAGACTGAAGAACACTACC-3'
Protein context (NP_001554.2, residues 583-603): NMAFSNDLFN[Lys593Asn]SSLEYRALEQ